The following is an entry in ClinVar:

NM_006031.6(PCNT):c.6341C>G (p.Ser2114Cys)

Gene: PCNT (pericentrin; plus strand). Cytogenetic location: 21q22.3.
Variant type: single nucleotide variant.
Coding change: c.6341C>G on transcript NM_006031.6 (MANE Select); coding-DNA position 6341, C replaced by G.
Protein change: p.Ser2114Cys; replaces serine 2114 with cysteine.
Molecular consequence: missense variant.
Genome position (GRCh38, 1-based): chr21:46,416,259, C>G. VCF-style: chr21-46416259-C-G. GRCh37 (hg19) VCF-style: chr21-47836173-C-G.
Other names: c.5987C>G, p.Ser1996Cys (NM_001315529.2); c.6341C>G (NM_006031.5); short protein forms S1996C, S2114C.
Identifiers: ClinVar variation 2081350 (VCV002081350.5), dbSNP rs774062727, ClinGen allele CA10080309.
Genomic context (GRCh38, chr21:46,416,259, plus strand): 5'-CCAAATCTCTGTGGCCCATGGCCTCAGCACACCTGTTGGAGAGCAGCTGGAGTGATGATT[C>G]CTGTGACGGAGAAGAGCCTGACATATCACCCCACATAGACACATGTGATGCCAATACAGC-3'
Protein context (NP_006022.3, residues 2104-2124): HLLESSWSDD[Ser2114Cys]CDGEEPDISP

ClinVar aggregate classification (germline): Uncertain significance. Review status: criteria provided, multiple submitters, no conflicts (2 of 4 stars). 3 submissions from 3 submitters: Uncertain significance (2). 1 of the submissions does not count toward it. Last evaluated 2024-08-01.

Conditions:
Inborn genetic diseases. Identifiers: MedGen C0950123, MeSH D030342.
PCNT-related disorder. Also called: PCNT-related condition.

Allele frequency attached by ClinVar (database versions not stated): ExAC 0.00001; gnomAD exomes 0.00001; TOPMed 0.00001.
gnomAD v4.1: 5 of 1,614,142 alleles (0.00031%); highest among the groups gnomAD compares: Admixed American, 0.0083%; no homozygotes.

Submissions (3):

Ambry Genetics
Classification: Uncertain significance for Inborn genetic diseases. Last evaluated: 2024-08-01. Review status: criteria provided, single submitter. Criteria: Ambry Variant Classification Scheme 2023. Collection method: clinical testing. Allele origin: germline.

Labcorp Genetics (formerly Invitae), Labcorp
Classification: Uncertain significance. Last evaluated: 2023-11-27. Review status: criteria provided, single submitter. Criteria: Invitae Variant Classification Sherloc (09022015). Collection method: clinical testing. Allele origin: germline.
Comment: This sequence change replaces serine, which is neutral and polar, with cysteine, which is neutral and slightly polar, at codon 2114 of the PCNT protein (p.Ser2114Cys). This variant is present in population databases (rs774062727, gnomAD 0.01%). This variant has not been reported in the literature in individuals affected with PCNT-related conditions. ClinVar contains an entry for this variant (Variation ID: 2081350). Algorithms developed to predict the effect of missense changes on protein structure and function output the following: SIFT: "Not Available"; PolyPhen-2: "Possibly Damaging"; Align-GVGD: "Not Available". The cysteine amino acid residue is found in multiple mammalian species, which suggests that this missense change does not adversely affect protein function. In summary, the available evidence is currently insufficient to determine the role of this variant in disease. Therefore, it has been classified as a Variant of Uncertain Significance.

PreventionGenetics, part of Exact Sciences
Classification: Uncertain significance for PCNT-related condition. Last evaluated: 2024-02-14. Review status: no assertion criteria provided. Collection method: clinical testing. Allele origin: germline. Not counted in ClinVar's aggregate classification.
Comment: The PCNT c.6341C>G variant is predicted to result in the amino acid substitution p.Ser2114Cys. To our knowledge, this variant has not been reported in the literature. This variant is reported in 0.014% of alleles in individuals of Latino descent in gnomAD. At this time, the clinical significance of this variant is uncertain due to the absence of conclusive functional and genetic evidence.